The following is an entry in ClinVar:

NM_024652.6(LRRK1):c.4333-3C>T

Genes: LRRK1 (leucine rich repeat kinase 1; plus strand), LRRK1-AS1 (LRRK1 antisense RNA 1; minus strand). Cytogenetic location: 15q26.3.
Variant type: single nucleotide variant.
Coding change: c.4333-3C>T on transcript NM_024652.6 (MANE Select); 3 bases into the intron before coding-DNA position 4333, C replaced by T.
Molecular consequence: intron variant.
Genome position (GRCh38, 1-based): chr15:101,056,853, C>T. VCF-style: chr15-101056853-C-T. GRCh37 (hg19) VCF-style: chr15-101597058-C-T.
Identifiers: ClinVar variation 1500140 (VCV001500140.3), dbSNP rs747689188, ClinGen allele CA7761821.
Genomic context (GRCh38, chr15:101,056,853, plus strand): 5'-GGGCCACCTTGTGAAGGCCACTGGGCCCAGGCAGCGACCTGACTTGGCTTGTTCTGTGCC[C>T]AGGTAGATATGTTCTCCTATGGAATGGTGCTCTACGAGTTGCTGTCAGGACAGCGCCCTG-3'

ClinVar aggregate classification (germline): Uncertain significance (1 of 4 stars; one submission).

Allele frequency attached by ClinVar (database versions not stated): gnomAD exomes below 0.00001; ExAC 0.00001.
gnomAD v4.1: 2 of 1,593,130 alleles (0.00013%); highest among the groups gnomAD compares: Admixed American, 0.0017%; no homozygotes.

Submission:

Labcorp Genetics (formerly Invitae), Labcorp
Classification: Uncertain significance. Last evaluated: 2021-09-01. Review status: criteria provided, single submitter. Criteria: Invitae Variant Classification Sherloc (09022015). Collection method: clinical testing. Allele origin: germline.
Comment: This sequence change falls in intron 27 of the LRRK1 gene. It does not directly change the encoded amino acid sequence of the LRRK1 protein. It affects a nucleotide within the consensus splice site of the intron. This variant is present in population databases (rs747689188, ExAC 0.009%). This variant has not been reported in the literature in individuals affected with LRRK1-related conditions. Variants that disrupt the consensus splice site are a relatively common cause of aberrant splicing (PMID: 17576681, 9536098). Algorithms developed to predict the effect of sequence changes on RNA splicing suggest that this variant is not likely to affect RNA splicing. In summary, the available evidence is currently insufficient to determine the role of this variant in disease. Therefore, it has been classified as a Variant of Uncertain Significance.

Literature cited by the submitters: PubMed 17576681; PubMed 9536098.